The following is an entry in ClinVar:

ClinVar aggregate classification (germline): Benign/Likely benign. Review status: criteria provided, multiple submitters, no conflicts (2 of 4 stars). 3 submissions from 3 submitters: Benign (1); Likely benign (1). 1 of the submissions does not count toward it. Last evaluated 2025-12-20.

Conditions:
Aicardi-Goutieres syndrome 6 (AGS6). Identifiers: Orphanet 51, MedGen C3539013, MONDO:0014007, OMIM 615010.
Symmetrical dyschromatosis of extremities (DSH). Also called: DYSCHROMATOSIS SYMMETRICA HEREDITARIA 1; Dyschromatosis symmetrica hereditaria; RETICULATE ACROPIGMENTATION OF DOHI; SYMMETRIC DYSCHROMATOSIS OF THE EXTREMITIES. Identifiers: Orphanet 41, MedGen C0406775, MONDO:0007483, OMIM 127400.
ADAR-related disorder. Also called: ADAR-related condition; ADAR-related disorders.

Allele frequency attached by ClinVar (database versions not stated): gnomAD 0.00014; ExAC 0.00016.
gnomAD v4.1: 162 of 1,613,998 alleles (0.01%); highest among the groups gnomAD compares: Admixed American, 0.0033%; no homozygotes.

Submissions (3):

Labcorp Genetics (formerly Invitae), Labcorp
Classification: Benign for Aicardi-Goutieres syndrome 6; Symmetrical dyschromatosis of extremities. Last evaluated: 2025-12-20. Review status: criteria provided, single submitter. Criteria: Invitae Variant Classification Sherloc (09022015). Collection method: clinical testing. Allele origin: germline.

Blueprint Genetics
Classification: Likely benign. Last evaluated: 2024-11-21. Review status: criteria provided, single submitter. Criteria: ACMG Guidelines, 2015. Collection method: clinical testing. Allele origin: germline.

PreventionGenetics, part of Exact Sciences
Classification: Likely benign for ADAR-related condition. Last evaluated: 2019-05-30. Review status: no assertion criteria provided. Collection method: clinical testing. Allele origin: germline. Not counted in ClinVar's aggregate classification.
Comment: This variant is classified as likely benign based on ACMG/AMP sequence variant interpretation guidelines (Richards et al. 2015 PMID: 25741868, with internal and published modifications).

NM_001111.5(ADAR):c.2361G>A (p.Ala787=)

Gene: ADAR (adenosine deaminase RNA specific; minus strand). Cytogenetic location: 1q21.3.
Variant type: single nucleotide variant.
Coding change: c.2361G>A on transcript NM_001111.5 (MANE Select); coding-DNA position 2361, G replaced by A.
Protein change: p.Ala787=; no amino-acid change (alanine 787 retained).
Molecular consequence: synonymous variant.
Genome position (GRCh38, 1-based): chr1:154,590,319, C>T on the plus strand (G>A on the coding strand, the complement: ADAR is on the minus strand). VCF-style: chr1-154590319-C-T. GRCh37 (hg19) VCF-style: chr1-154562795-C-T.
Other names: c.1476G>A, p.Ala492= (NM_001025107.3, NM_001193495.2, NM_001365046.1 and 3 more transcripts); c.2388G>A, p.Ala796= (NM_001365045.1); c.2361G>A, p.Ala787= (NM_015840.4); c.2304G>A, p.Ala768= (NM_015841.4); c.2361G>A (NM_001111.4).
Identifiers: ClinVar variation 2072541 (VCV002072541.7), dbSNP rs759585998, ClinGen allele CA1131310.